The following is an entry in ClinVar:

NM_000553.6(WRN):c.2732+4T>G

Gene: WRN (WRN RecQ like helicase; plus strand). Cytogenetic location: 8p12.
Variant type: single nucleotide variant.
Coding change: c.2732+4T>G on transcript NM_000553.6 (MANE Select); 4 bases into the intron after coding-DNA position 2732, T replaced by G.
Molecular consequence: intron variant.
Genome position (GRCh38, 1-based): chr8:31,124,627, T>G. VCF-style: chr8-31124627-T-G. GRCh37 (hg19) VCF-style: chr8-30982143-T-G.
Identifiers: ClinVar variation 1044645 (VCV001044645.5), dbSNP rs1262068970, ClinGen allele CA2499219259.

ClinVar aggregate classification (germline): Uncertain significance (1 of 4 stars; one submission).

Conditions:
Werner syndrome (WRN). Identifiers: Orphanet 902, MedGen C0043119, MONDO:0010196, OMIM 277700.

Submission:

Labcorp Genetics (formerly Invitae), Labcorp
Classification: Uncertain significance for Werner syndrome. Last evaluated: 2023-10-13. Review status: criteria provided, single submitter. Criteria: Invitae Variant Classification Sherloc (09022015). Collection method: clinical testing. Allele origin: germline.
Comment: This sequence change falls in intron 22 of the WRN gene. It does not directly change the encoded amino acid sequence of the WRN protein. It affects a nucleotide within the consensus splice site. This variant has not been reported in the literature in individuals affected with WRN-related conditions. Variants that disrupt the consensus splice site are a relatively common cause of aberrant splicing (PMID: 17576681, 9536098). Experimental studies and prediction algorithms are not available or were not evaluated, and the effect of this variant on mRNA splicing is currently unknown. In summary, the available evidence is currently insufficient to determine the role of this variant in disease. Therefore, it has been classified as a Variant of Uncertain Significance.

Literature cited by the submitters: PubMed 17576681; PubMed 9536098.